The following is an entry in ClinVar:

ClinVar aggregate classification (germline): Uncertain significance (1 of 4 stars; one submission).

Conditions:
Developmental and epileptic encephalopathy, 8 (DEE8). Also called: HYPEREKPLEXIA AND EPILEPSY. Identifiers: Orphanet 163985, Orphanet 2076, MedGen C1845102, MONDO:0010375, OMIM 300607.

Submissions (2):

Labcorp Genetics (formerly Invitae), Labcorp
Classification: Uncertain significance for Developmental and epileptic encephalopathy, 8. Last evaluated: 2025-08-01. Review status: criteria provided, single submitter. Criteria: Invitae Variant Classification Sherloc (09022015). Collection method: clinical testing. Allele origin: germline.
Comment: This sequence change replaces aspartic acid, which is acidic and polar, with glycine, which is neutral and non-polar, at codon 430 of the ARHGEF9 protein (p.Asp430Gly). This variant is not present in population databases (gnomAD no frequency). This variant has not been reported in the literature in individuals affected with ARHGEF9-related conditions. Invitae Evidence Modeling of protein sequence and biophysical properties (such as structural, functional, and spatial information, amino acid conservation, physicochemical variation, residue mobility, and thermodynamic stability) has been performed for this missense variant. However, the output from this modeling did not meet the statistical confidence thresholds required to predict the impact of this variant on ARHGEF9 protein function. In summary, the available evidence is currently insufficient to determine the role of this variant in disease. Therefore, it has been classified as a Variant of Uncertain Significance.

Dr. Peter K. Rogan Lab, Western University
No classification provided (evidence only). Condition: Nonpapillary renal cell carcinoma. Review status: no classification provided. Collection method: in vitro. Allele origin: not applicable. Functional consequence: retained intron. Not counted in ClinVar's aggregate classification.

NM_001353921.2(ARHGEF9):c.1310A>G (p.Asp437Gly)

Gene: ARHGEF9 (Cdc42 guanine nucleotide exchange factor 9; minus strand). Cytogenetic location: Xq11.1.
Variant type: single nucleotide variant.
Coding change: c.1310A>G on transcript NM_001353921.2 (MANE Select); coding-DNA position 1310, A replaced by G.
Protein change: p.Asp437Gly; replaces aspartic acid 437 with glycine.
Molecular consequence: missense variant. On other transcripts: intron variant (2).
Genome position (GRCh38, 1-based): chrX:63,655,505, T>C on the plus strand (A>G on the coding strand, the complement: ARHGEF9 is on the minus strand). VCF-style: chrX-63655505-T-C. GRCh37 (hg19) VCF-style: chrX-62875385-T-C.
Other names: NC_000023.10:g.62875385T>C; c.1130A>G, p.Asp377Gly (NM_001173479.2); c.983A>G, p.Asp328Gly (NM_001173480.2, NM_001369042.1); c.1226A>G, p.Asp409Gly (NM_001330495.2, NM_001369033.1, NM_001369034.1 and 4 more transcripts); c.1178A>G, p.Asp393Gly (NM_001353922.2); c.1328A>G, p.Asp443Gly (NM_001353923.1); c.1109A>G, p.Asp370Gly (NM_001353924.2, NM_001353926.2, NM_001369039.1 and 1 more transcripts); c.1094A>G, p.Asp365Gly (NM_001353927.2, NM_001369041.1); and 4 more; short protein forms D248G, D365G, D386G, D443G, D430G, D437G, D328G, D377G.
Identifiers: ClinVar variation 4494824 (VCV004494824.2).